The following is an entry in ClinVar:

ClinVar aggregate classification (germline): Uncertain significance (1 of 4 stars; one submission).

Submission:

GeneDx
Classification: Uncertain significance. Last evaluated: 2025-05-06. Review status: criteria provided, single submitter. Criteria: GeneDx Variant Classification Process June 2021. Collection method: clinical testing. Allele origin: germline. Affected: yes.
Comment: Not observed at significant frequency in large population cohorts (gnomAD); In silico analysis suggests that this missense variant does not alter protein structure/function; Has not been previously published as pathogenic or benign to our knowledge

NM_014423.4(AFF4):c.1655A>G (p.Gln552Arg)

Gene: AFF4 (ALF transcription elongation factor 4; minus strand). Cytogenetic location: 5q31.1.
Variant type: single nucleotide variant.
Coding change: c.1655A>G on transcript NM_014423.4 (MANE Select); coding-DNA position 1655, A replaced by G.
Protein change: p.Gln552Arg; replaces glutamine 552 with arginine.
Molecular consequence: missense variant.
Genome position (GRCh38, 1-based): chr5:132,896,975, T>C on the plus strand (A>G on the coding strand, the complement: AFF4 is on the minus strand). VCF-style: chr5-132896975-T-C. GRCh37 (hg19) VCF-style: chr5-132232667-T-C.
Other names: short protein forms Q552R.
Identifiers: ClinVar variation 4528160 (VCV004528160.1).
Genomic context (GRCh38, chr5:132,896,975, plus strand): 5'-TTCTCAGCCTTTTTGGGTTGTTTTTTGCCTACAGTTCTTCTCTGTGTTGTGCTGTCACTC[T>C]GTGCAGGAGATTTCTGCCTCCCACGCCCACTTTCTGATCCCTTTTGGATGGTTTTGGAGT-3'
Protein context (NP_055238.1, residues 542-562): SGRGRQKSPA[Gln552Arg]SDSTTQRRTV